The following is an entry in ClinVar:

ClinVar aggregate classification (germline): Uncertain significance (1 of 4 stars; one submission).

Submission:

Labcorp Genetics (formerly Invitae), Labcorp
Classification: Uncertain significance. Last evaluated: 2025-04-28. Review status: criteria provided, single submitter. Criteria: Invitae Variant Classification Sherloc (09022015). Collection method: clinical testing. Allele origin: germline.
Comment: This sequence change replaces valine, which is neutral and non-polar, with leucine, which is neutral and non-polar, at codon 92 of the NR2E3 protein (p.Val92Leu). This variant is not present in population databases (gnomAD no frequency). This variant has not been reported in the literature in individuals affected with NR2E3-related conditions. ClinVar contains an entry for this variant (Variation ID: 2110175). Invitae Evidence Modeling of protein sequence and biophysical properties (such as structural, functional, and spatial information, amino acid conservation, physicochemical variation, residue mobility, and thermodynamic stability) has been performed for this missense variant. However, the output from this modeling did not meet the statistical confidence thresholds required to predict the impact of this variant on NR2E3 protein function. In summary, the available evidence is currently insufficient to determine the role of this variant in disease. Therefore, it has been classified as a Variant of Uncertain Significance.

NM_014249.4(NR2E3):c.274G>C (p.Val92Leu)

Gene: NR2E3 (nuclear receptor subfamily 2 group E member 3; plus strand). Cytogenetic location: 15q23.
Variant type: single nucleotide variant.
Coding change: c.274G>C on transcript NM_014249.4 (MANE Select); coding-DNA position 274, G replaced by C.
Protein change: p.Val92Leu; replaces valine 92 with leucine.
Molecular consequence: missense variant.
Genome position (GRCh38, 1-based): chr15:71,811,794, G>C. VCF-style: chr15-71811794-G-C. GRCh37 (hg19) VCF-style: chr15-72104134-G-C.
Other names: c.274G>C, p.Val92Leu (NM_016346.4); short protein forms V92L.
Identifiers: ClinVar variation 2110175 (VCV002110175.4), dbSNP rs747703813, ClinGen allele CA393032415.